The following is an entry in ClinVar:

ClinVar aggregate classification (germline): Uncertain significance (1 of 4 stars; one submission).

Conditions:
Hereditary spastic paraplegia. Also called: Familial spastic paraparesis. Identifiers: Orphanet 685, MedGen C0037773, MONDO:0019064. Disease mechanism: loss of function.

Allele frequency attached by ClinVar (database versions not stated): gnomAD exomes below 0.00001.
gnomAD v4.1: 4 of 1,608,332 alleles (0.00025%); highest among the groups gnomAD compares: Non-Finnish European, 0.00034%; no homozygotes.

Submission:

Labcorp Genetics (formerly Invitae), Labcorp
Classification: Uncertain significance for Hereditary spastic paraplegia. Last evaluated: 2020-12-03. Review status: criteria provided, single submitter. Criteria: Invitae Variant Classification Sherloc (09022015). Collection method: clinical testing. Allele origin: germline.
Comment: In summary, the available evidence is currently insufficient to determine the role of this variant in disease. Therefore, it has been classified as a Variant of Uncertain Significance. Algorithms developed to predict the effect of missense changes on protein structure and function are either unavailable or do not agree on the potential impact of this missense change (SIFT: "Tolerated"; PolyPhen-2: "Probably Damaging"; Align-GVGD: "Class C0"). This variant has not been reported in the literature in individuals with USP8-related conditions. This variant is not present in population databases (ExAC no frequency). This sequence change replaces glutamic acid with aspartic acid at codon 558 of the USP8 protein (p.Glu558Asp). The glutamic acid residue is weakly conserved and there is a small physicochemical difference between glutamic acid and aspartic acid.

NM_005154.5(USP8):c.1674A>T (p.Glu558Asp)

Gene: USP8 (ubiquitin specific peptidase 8; plus strand). Cytogenetic location: 15q21.2.
Variant type: single nucleotide variant.
Coding change: c.1674A>T on transcript NM_005154.5 (MANE Select); coding-DNA position 1674, A replaced by T.
Protein change: p.Glu558Asp; replaces glutamic acid 558 with aspartic acid.
Molecular consequence: missense variant.
Genome position (GRCh38, 1-based): chr15:50,481,936, A>T. VCF-style: chr15-50481936-A-T. GRCh37 (hg19) VCF-style: chr15-50774133-A-T.
Other names: c.1674A>T, p.Glu558Asp (NM_001128610.3); c.1443A>T, p.Glu481Asp (NM_001283049.2); short protein forms E481D, E558D.
Identifiers: ClinVar variation 1490580 (VCV001490580.8), dbSNP rs1288098442, ClinGen allele CA392394450.